The following is an entry in ClinVar:

ClinVar aggregate classification (germline): Uncertain significance. Review status: criteria provided, multiple submitters, no conflicts (2 of 4 stars). 6 submissions from 4 submitters: Uncertain significance (6). Last evaluated 2026-03-12.

Conditions:
Arrhythmogenic cardiomyopathy with wooly hair and keratoderma. Also called: Arrhythmogenic cardiomyopathy with woolly hair and keratoderma; Carvajal syndrome; Dilated cardiomyopathy with woolly hair and keratoderma; PALMOPLANTAR KERATODERMA WITH LEFT VENTRICULAR CARDIOMYOPATHY AND WOOLLY HAIR. Identifiers: Orphanet 65282, MedGen C1854063, MONDO:0011581, OMIM 605676.
Arrhythmogenic right ventricular dysplasia 8 (ARVD8). Also called: ARRHYTHMOGENIC RIGHT VENTRICULAR DYSPLASIA, FAMILIAL, 8; ARRHYTHMOGENIC RIGHT VENTRICULAR CARDIOMYOPATHY 8; Arrhythmogenic Right Ventricular Dysplasia/Cardiomyopathy 8. Identifiers: MedGen C1843896, MONDO:0011831, OMIM 607450.
Woolly hair-skin fragility syndrome (WHSF). Identifiers: Orphanet 293165, MedGen C1843292, MONDO:0957307, OMIM 620415.
Lethal acantholytic epidermolysis bullosa (EBLA). Identifiers: Orphanet 158687, MedGen C1864826, MONDO:0012323, OMIM 609638.
Cardiovascular phenotype. Identifiers: MedGen CN230736.
Cardiomyopathy (CMYO). Also called: Cardiomyopathies. Identifiers: Orphanet 167848, MedGen C0878544, MONDO:0004994, HP:0001638. Inheritance: Various modes of inheritance.

Allele frequency attached by ClinVar (database versions not stated): gnomAD exomes below 0.00001.
gnomAD v4.1: 6 of 1,614,188 alleles (0.00037%); highest among the groups gnomAD compares: Non-Finnish European, 0.00042%; no homozygotes.

Submissions (6):

Ambry Genetics
Classification: Uncertain significance for Cardiovascular phenotype. Last evaluated: 2026-03-12. Review status: criteria provided, single submitter. Criteria: Ambry Variant Classification Scheme 2023. Collection method: clinical testing. Allele origin: germline.
Comment: The p.N1257S variant (also known as c.3770A>G), located in coding exon 23 of the DSP gene, results from an A to G substitution at nucleotide position 3770. The asparagine at codon 1257 is replaced by serine, an amino acid with highly similar properties. This amino acid position is conserved. In addition, this alteration is predicted to be tolerated by in silico analysis. Based on the available evidence, the clinical significance of this variant remains unclear.

Labcorp Genetics (formerly Invitae), Labcorp
Classification: Uncertain significance for Arrhythmogenic cardiomyopathy with wooly hair and keratoderma; Arrhythmogenic right ventricular dysplasia 8. Last evaluated: 2024-11-10. Review status: criteria provided, single submitter. Criteria: Invitae Variant Classification Sherloc (09022015). Collection method: clinical testing. Allele origin: germline.
Comment: This sequence change replaces asparagine, which is neutral and polar, with serine, which is neutral and polar, at codon 1257 of the DSP protein (p.Asn1257Ser). This variant is not present in population databases (gnomAD no frequency). This variant has not been reported in the literature in individuals affected with DSP-related conditions. ClinVar contains an entry for this variant (Variation ID: 580092). An algorithm developed to predict the effect of missense changes on protein structure and function (PolyPhen-2) suggests that this variant is likely to be tolerated. In summary, the available evidence is currently insufficient to determine the role of this variant in disease. Therefore, it has been classified as a Variant of Uncertain Significance.

Color Diagnostics, LLC DBA Color Health
Classification: Uncertain significance for Cardiomyopathy. Last evaluated: 2024-03-06. Review status: criteria provided, single submitter. Criteria: ACMG Guidelines, 2015. Collection method: clinical testing. Allele origin: germline.
Comment: This missense variant replaces asparagine with serine at codon 1257 of the DSP protein. Computational prediction suggests that this variant may not impact protein structure and function (internally defined REVEL score threshold <= 0.5, PMID: 27666373). To our knowledge, functional studies have not been reported for this variant. This variant has not been reported in individuals affected with DSP-related disorders in the literature. This variant has not been identified in the general population by the Genome Aggregation Database (gnomAD). The available evidence is insufficient to determine the role of this variant in disease conclusively. Therefore, this variant is classified as a Variant of Uncertain Significance.

Illumina Laboratory Services, Illumina
Classification: Uncertain significance for Arrhythmogenic cardiomyopathy with wooly hair and keratoderma. Last evaluated: 2018-01-12. Review status: criteria provided, single submitter. Criteria: ICSL Variant Classification Criteria 13 December 2019. Collection method: clinical testing. Allele origin: germline.

Illumina Laboratory Services, Illumina
Classification: Uncertain significance for Lethal acantholytic epidermolysis bullosa. Last evaluated: 2018-01-12. Review status: criteria provided, single submitter. Criteria: ICSL Variant Classification Criteria 13 December 2019. Collection method: clinical testing. Allele origin: germline.

Illumina Laboratory Services, Illumina
Classification: Uncertain significance for Arrhythmogenic right ventricular dysplasia 8. Last evaluated: 2018-01-12. Review status: criteria provided, single submitter. Criteria: ICSL Variant Classification Criteria 13 December 2019. Collection method: clinical testing. Allele origin: germline.

NM_004415.4(DSP):c.3770A>G (p.Asn1257Ser)

Gene: DSP (desmoplakin; plus strand). Cytogenetic location: 6p24.3.
Variant type: single nucleotide variant.
Coding change: c.3770A>G on transcript NM_004415.4 (MANE Select); coding-DNA position 3770, A replaced by G.
Protein change: p.Asn1257Ser; replaces asparagine 1257 with serine.
Molecular consequence: missense variant. On other transcripts: intron variant (1).
Genome position (GRCh38, 1-based): chr6:7,579,960, A>G. VCF-style: chr6-7579960-A-G. GRCh37 (hg19) VCF-style: chr6-7580193-A-G.
Other names: c.3770A>G (LRG_423t1); c.3770A>G, p.Asn1257Ser (NM_001319034.2); c.3582+188A>G (NM_001008844.3); short protein forms N1257S.
Identifiers: ClinVar variation 580092 (VCV000580092.17), dbSNP rs1561697968, ClinGen allele CA362684816.